The following is an entry in ClinVar:

ClinVar aggregate classification (germline): Likely benign (0 of 4 stars; one submission).

Conditions:
ANKFY1-related disorder. Also called: ANKFY1-related condition.

gnomAD v4.1: 7 of 1,613,784 alleles (0.00043%); highest among the groups gnomAD compares: Non-Finnish European, 0.00051%; no homozygotes.

Submission:

PreventionGenetics, part of Exact Sciences
Classification: Likely benign for ANKFY1-related condition. Last evaluated: 2022-07-06. Review status: no assertion criteria provided. Collection method: clinical testing. Allele origin: germline.
Comment: This variant is classified as likely benign based on ACMG/AMP sequence variant interpretation guidelines (Richards et al. 2015 PMID: 25741868, with internal and published modifications).

NM_001330063.2(ANKFY1):c.10+8T>C

Gene: ANKFY1 (ankyrin repeat and FYVE domain containing 1; minus strand). Cytogenetic location: 17p13.2.
Variant type: single nucleotide variant.
Coding change: c.10+8T>C on transcript NM_001330063.2 (MANE Select); 8 bases into the intron after coding-DNA position 10, T replaced by C.
Molecular consequence: intron variant.
Genome position (GRCh38, 1-based): chr17:4,263,924, A>G on the plus strand (T>C on the coding strand, the complement: ANKFY1 is on the minus strand). VCF-style: chr17-4263924-A-G. GRCh37 (hg19) VCF-style: chr17-4167219-A-G.
Other names: c.10+8T>C (NM_016376.5).
Identifiers: ClinVar variation 3047552 (VCV003047552.2), dbSNP rs745379057, ClinGen allele CA772113189.